The following is an entry in ClinVar:

NM_014915.3(ANKRD26):c.2782A>G (p.Ile928Val)

Gene: ANKRD26 (ankyrin repeat domain 26; minus strand). Cytogenetic location: 10p12.1.
Variant type: single nucleotide variant.
Coding change: c.2782A>G on transcript NM_014915.3 (MANE Select); coding-DNA position 2782, A replaced by G.
Protein change: p.Ile928Val; replaces isoleucine 928 with valine.
Molecular consequence: missense variant.
Genome position (GRCh38, 1-based): chr10:27,035,668, T>C on the plus strand (A>G on the coding strand, the complement: ANKRD26 is on the minus strand). VCF-style: chr10-27035668-T-C. GRCh37 (hg19) VCF-style: chr10-27324597-T-C.
Other names: c.2779A>G, p.Ile927Val (NM_001256053.2); short protein forms I928V, I927V.
Identifiers: ClinVar variation 2860562 (VCV002860562.3), dbSNP rs2538767972, ClinGen allele CA376365417.
Genomic context (GRCh38, chr10:27,035,668, plus strand): 5'-TTTTAAGGTCCTCAAAACATTTCTTTTCTTTTTCCTGGTTTTGATTTTTTATTGTGTCTA[T>C]TTCTAGTCTTAGCATAGCAATTTCTTCCTGCAACATGCTATTTTTATGCGATAGGTCTTT-3'
Protein context (NP_055730.2, residues 918-938): QEEIAMLRLE[Ile928Val]DTIKNQNQEK

ClinVar aggregate classification (germline): Uncertain significance (1 of 4 stars; one submission).

Submission:

Labcorp Genetics (formerly Invitae), Labcorp
Classification: Uncertain significance. Last evaluated: 2023-04-29. Review status: criteria provided, single submitter. Criteria: Invitae Variant Classification Sherloc (09022015). Collection method: clinical testing. Allele origin: germline.
Comment: This sequence change replaces isoleucine, which is neutral and non-polar, with valine, which is neutral and non-polar, at codon 928 of the ANKRD26 protein (p.Ile928Val). This variant is not present in population databases (gnomAD no frequency). This variant has not been reported in the literature in individuals affected with ANKRD26-related conditions. Algorithms developed to predict the effect of missense changes on protein structure and function output the following: SIFT: "Not Available"; PolyPhen-2: "Possibly Damaging"; Align-GVGD: "Not Available". The valine amino acid residue is found in multiple mammalian species, which suggests that this missense change does not adversely affect protein function. In summary, the available evidence is currently insufficient to determine the role of this variant in disease. Therefore, it has been classified as a Variant of Uncertain Significance.